The following is an entry in ClinVar:

ClinVar aggregate classification (germline): Uncertain significance. Review status: criteria provided, multiple submitters, no conflicts (2 of 4 stars). 2 submissions from 2 submitters: Uncertain significance (2). Last evaluated 2024-07-24.

Conditions:
Baller-Gerold syndrome (BGS). Also called: CRANIOSYNOSTOSIS WITH RADIAL DEFECTS. Identifiers: Orphanet 1225, MedGen C0265308, MONDO:0009039, OMIM 218600.

Submissions (2):

Labcorp Genetics (formerly Invitae), Labcorp
Classification: Uncertain significance for Baller-Gerold syndrome. Last evaluated: 2024-07-24. Review status: criteria provided, single submitter. Criteria: Invitae Variant Classification Sherloc (09022015). Collection method: clinical testing. Allele origin: germline.
Comment: This sequence change replaces alanine, which is neutral and non-polar, with threonine, which is neutral and polar, at codon 1194 of the RECQL4 protein (p.Ala1194Thr). This variant is present in population databases (rs201809411, gnomAD 0.004%). This variant has not been reported in the literature in individuals affected with RECQL4-related conditions. ClinVar contains an entry for this variant (Variation ID: 406954). Advanced modeling of protein sequence and biophysical properties (such as structural, functional, and spatial information, amino acid conservation, physicochemical variation, residue mobility, and thermodynamic stability) performed at Invitae indicates that this missense variant is not expected to disrupt RECQL4 protein function with a negative predictive value of 80%. In summary, the available evidence is currently insufficient to determine the role of this variant in disease. Therefore, it has been classified as a Variant of Uncertain Significance.

GeneDx
Classification: Uncertain significance. Last evaluated: 2022-03-16. Review status: criteria provided, single submitter. Criteria: GeneDx Variant Classification Process June 2021. Collection method: clinical testing. Allele origin: germline. Affected: yes.
Comment: In silico analysis supports that this missense variant does not alter protein structure/function; Has not been previously published as pathogenic or benign to our knowledge

NM_004260.4(RECQL4):c.3580G>A (p.Ala1194Thr)

Gene: RECQL4 (RecQ like helicase 4; minus strand). Cytogenetic location: 8q24.3.
Variant type: single nucleotide variant.
Coding change: c.3580G>A on transcript NM_004260.4 (MANE Select); coding-DNA position 3580, G replaced by A.
Protein change: p.Ala1194Thr; replaces alanine 1194 with threonine.
Molecular consequence: missense variant.
Genome position (GRCh38, 1-based): chr8:144,511,478, C>T on the plus strand (G>A on the coding strand, the complement: RECQL4 is on the minus strand). VCF-style: chr8-144511478-C-T. GRCh37 (hg19) VCF-style: chr8-145736861-C-T.
Other names: short protein forms A1194T.
Identifiers: ClinVar variation 406954 (VCV000406954.7), dbSNP rs201809411, ClinGen allele CA4947637.